The following is an entry in ClinVar:

ClinVar aggregate classification (germline): Uncertain significance (1 of 4 stars; one submission).

Conditions:
Familial focal epilepsy with variable foci (FPEVF). Identifiers: Orphanet 98820, MedGen C1858477, MONDO:0020310.

Allele frequency attached by ClinVar (database versions not stated): TOPMed below 0.00001; gnomAD exomes 0.00001.
gnomAD v4.1: 9 of 1,614,190 alleles (0.00056%); highest among the groups gnomAD compares: Middle Eastern, 0.017%; no homozygotes.

Submission:

Labcorp Genetics (formerly Invitae), Labcorp
Classification: Uncertain significance for Familial focal epilepsy with variable foci. Last evaluated: 2024-01-19. Review status: criteria provided, single submitter. Criteria: Invitae Variant Classification Sherloc (09022015). Collection method: clinical testing. Allele origin: germline.
Comment: This sequence change replaces arginine, which is basic and polar, with cysteine, which is neutral and slightly polar, at codon 958 of the DEPDC5 protein (p.Arg958Cys). This variant is present in population databases (no rsID available, gnomAD 0.0009%). This variant has not been reported in the literature in individuals affected with DEPDC5-related conditions. This variant is also known as c.2845C>T (p.Arg949Cys). ClinVar contains an entry for this variant (Variation ID: 2200314). Experimental studies and prediction algorithms are not available or were not evaluated, and the functional significance of this variant is currently unknown. In summary, the available evidence is currently insufficient to determine the role of this variant in disease. Therefore, it has been classified as a Variant of Uncertain Significance.

NM_001242896.3(DEPDC5):c.2872C>T (p.Arg958Cys)

Gene: DEPDC5 (DEP domain containing 5, GATOR1 subcomplex subunit; plus strand). Cytogenetic location: 22q12.3.
Variant type: single nucleotide variant.
Coding change: c.2872C>T on transcript NM_001242896.3 (MANE Select); coding-DNA position 2872, C replaced by T.
Protein change: p.Arg958Cys; replaces arginine 958 with cysteine.
Molecular consequence: missense variant. On other transcripts: non-coding transcript variant (5).
Genome position (GRCh38, 1-based): chr22:31,845,088, C>T. VCF-style: chr22-31845088-C-T. GRCh37 (hg19) VCF-style: chr22-32241074-C-T.
Other names: c.2845C>T, p.Arg949Cys (NM_001136029.4, NM_001369903.1, NM_014662.6); c.2638C>T, p.Arg880Cys (NM_001242897.2, NM_001363854.2, NM_001364319.2); c.2872C>T, p.Arg958Cys (NM_001363852.2, NM_001364318.2, NM_001364320.2); c.2788C>T, p.Arg930Cys (NM_001369901.1, NM_001369902.1); short protein forms R880C, R930C, R949C, R958C.
Identifiers: ClinVar variation 2200314 (VCV002200314.4), dbSNP rs1438833813, ClinGen allele CA411291101.
Genomic context (GRCh38, chr22:31,845,088, plus strand): 5'-TCCCTGAAGTTCTGGAGGACCCGCTTCCTGCTGCTGCCAGCCTGTGTCACCGCCACCAAG[C>T]GCATCACGGAGGGGGAGGCCCACTGCGACATCTATGGGGACAGGCCCCGTGCAGACGAGG-3'
Protein context (NP_001229825.1, residues 948-968): LLPACVTATK[Arg958Cys]ITEGEAHCDI